The following is an entry in ClinVar:

NM_000388.4(CASR):c.172G>C (p.Val58Leu)

Gene: CASR (calcium sensing receptor; plus strand). Cytogenetic location: 3q21.1.
Variant type: single nucleotide variant.
Coding change: c.172G>C on transcript NM_000388.4 (MANE Select); coding-DNA position 172, G replaced by C.
Protein change: p.Val58Leu; replaces valine 58 with leucine.
Molecular consequence: missense variant.
Genome position (GRCh38, 1-based): chr3:122,254,361, G>C. VCF-style: chr3-122254361-G-C. GRCh37 (hg19) VCF-style: chr3-121973208-G-C.
Other names: c.172G>C, p.Val58Leu (NM_001178065.2); short protein forms V58L.
Identifiers: ClinVar variation 850756 (VCV000850756.13), dbSNP rs1161795745, ClinGen allele CA354362286.

ClinVar aggregate classification (germline): Uncertain significance. Review status: criteria provided, multiple submitters, no conflicts (2 of 4 stars). 2 submissions from 2 submitters: Uncertain significance (2). Last evaluated 2026-01-31.

Conditions:
Familial hypocalciuric hypercalcemia (FHH). Also called: Familial benign hypercalcemia. Identifiers: Orphanet 405, MedGen C1809471, MONDO:0018458.
Autosomal dominant hypocalcemia 1 (HYPOC1). Also called: HYPOCALCEMIA, FAMILIAL. Identifiers: MedGen C3715128, MONDO:0011013, OMIM 601198.
Nephrolithiasis/nephrocalcinosis. Identifiers: MedGen CN580796.

Allele frequency attached by ClinVar (database versions not stated): gnomAD exomes below 0.00001; TOPMed 0.00001; gnomAD 0.00001.
gnomAD v4.1: 3 of 1,614,070 alleles (0.00019%); highest among the groups gnomAD compares: Admixed American, 0.005%; no homozygotes.

Submissions (2):

Labcorp Genetics (formerly Invitae), Labcorp
Classification: Uncertain significance for Familial hypocalciuric hypercalcemia; Autosomal dominant hypocalcemia 1. Last evaluated: 2026-01-31. Review status: criteria provided, single submitter. Criteria: Invitae Variant Classification Sherloc (09022015). Collection method: clinical testing. Allele origin: germline.
Comment: This sequence change replaces valine, which is neutral and non-polar, with leucine, which is neutral and non-polar, at codon 58 of the CASR protein (p.Val58Leu). This variant is present in population databases (no rsID available, gnomAD 0.006%). This variant has not been reported in the literature in individuals affected with CASR-related conditions. ClinVar contains an entry for this variant (Variation ID: 850756). An algorithm developed to predict the effect of missense changes on protein structure and function (PolyPhen-2) suggests that this variant is likely to be tolerated. In summary, the available evidence is currently insufficient to determine the role of this variant in disease. Therefore, it has been classified as a Variant of Uncertain Significance.

Ambry Genetics
Classification: Uncertain significance for Nephrolithiasis/nephrocalcinosis. Last evaluated: 2023-10-25. Review status: criteria provided, single submitter. Criteria: Ambry Variant Classification Scheme 2023. Collection method: clinical testing. Allele origin: germline.
Comment: The p.V58L variant (also known as c.172G>C), located in coding exon 1 of the CASR gene, results from a G to C substitution at nucleotide position 172. The valine at codon 58 is replaced by leucine, an amino acid with highly similar properties. This amino acid position is not well conserved in available vertebrate species. In addition, this alteration is predicted to be tolerated by in silico analysis. Since supporting evidence is limited at this time, the clinical significance of this alteration remains unclear.